The following is an entry in ClinVar:

NM_182931.3(KMT2E):c.3432G>A (p.Gly1144=)

Gene: KMT2E (lysine methyltransferase 2E (inactive); plus strand). Cytogenetic location: 7q22.3.
Variant type: single nucleotide variant.
Coding change: c.3432G>A on transcript NM_182931.3 (MANE Select); coding-DNA position 3432, G replaced by A.
Protein change: p.Gly1144=; no amino-acid change (glycine 1144 retained).
Molecular consequence: synonymous variant.
Genome position (GRCh38, 1-based): chr7:105,107,889, G>A. VCF-style: chr7-105107889-G-A. GRCh37 (hg19) VCF-style: chr7-104748336-G-A.
Other names: c.3432G>A, p.Gly1144= (NM_001410908.1, NM_018682.4).
Identifiers: ClinVar variation 3046519 (VCV003046519.2), dbSNP rs1798983164, ClinGen allele CA457200259.

ClinVar aggregate classification (germline): Likely benign (0 of 4 stars; one submission).

Conditions:
KMT2E-related disorder. Also called: KMT2E-related condition.

Allele frequency attached by ClinVar (database versions not stated): gnomAD exomes below 0.00001; TOPMed below 0.00001; gnomAD 0.00001.
gnomAD v4.1: 4 of 1,613,014 alleles (0.00025%); highest among the groups gnomAD compares: African/African-American, 0.0013%; no homozygotes.

Submission:

PreventionGenetics, part of Exact Sciences
Classification: Likely benign for KMT2E-related condition. Last evaluated: 2019-03-29. Review status: no assertion criteria provided. Collection method: clinical testing. Allele origin: germline.
Comment: This variant is classified as likely benign based on ACMG/AMP sequence variant interpretation guidelines (Richards et al. 2015 PMID: 25741868, with internal and published modifications).